The following is an entry in ClinVar:

NM_000110.4(DPYD):c.601A>C (p.Ser201Arg)

Gene: DPYD (dihydropyrimidine dehydrogenase; minus strand). Cytogenetic location: 1p21.3.
Variant type: single nucleotide variant.
Coding change: c.601A>C on transcript NM_000110.4 (MANE Select); coding-DNA position 601, A replaced by C.
Protein change: p.Ser201Arg; replaces serine 201 with arginine.
Molecular consequence: missense variant.
Genome position (GRCh38, 1-based): chr1:97,699,430, T>G on the plus strand (A>C on the coding strand, the complement: DPYD is on the minus strand). VCF-style: chr1-97699430-T-G. GRCh37 (hg19) VCF-style: chr1-98164986-T-G.
Other names: short protein forms S201R.
Identifiers: ClinVar variation 2674903 (VCV002674903.6), dbSNP rs72549308, ClinGen allele CA963612.

ClinVar aggregate classification (germline): Likely pathogenic. Review status: criteria provided, multiple submitters, no conflicts (2 of 4 stars). 4 submissions from 4 submitters: Likely pathogenic (4). Last evaluated 2026-10-26.

Conditions:
Dihydropyrimidine dehydrogenase deficiency (DPYDD). Also called: Hereditary Thymine-Uraciluria; DPD DEFICIENCY; DPYD DEFICIENCY. Identifiers: Orphanet 1675, MedGen C1959620, MONDO:0010130, OMIM 274270.

Allele frequency attached by ClinVar (database versions not stated): gnomAD 0.00001; TOPMed 0.00002; ExAC 0.00003; gnomAD exomes 0.00007.
gnomAD v4.1: 95 of 1,613,598 alleles (0.0059%); highest among the groups gnomAD compares: Non-Finnish European, 0.0078%; no homozygotes.

Submissions (4):

GeneDx
Classification: Likely pathogenic. Last evaluated: 2026-10-26. Review status: criteria provided, single submitter. Criteria: GeneDx Variant Classification Process June 2021. Collection method: clinical testing. Allele origin: germline.
Comment: Published functional studies demonstrate a damaging effect on DPD enzyme activity, reducing it to less than 12.5% activity relative to wild type (PMID: 24648345); In silico analysis supports that this missense variant has a deleterious effect on protein structure/function; This variant is associated with the following publications: (PMID: 17121937, 25381393, 24648345, 11783493, 30510603, 41339532)

Women's Health and Genetics/Laboratory Corporation of America, LabCorp
Classification: Likely pathogenic for Dihydropyrimidine dehydrogenase deficiency. Last evaluated: 2026-02-04. Review status: criteria provided, single submitter. Criteria: LabCorp Variant Classification Summary - May 2015. Collection method: clinical testing. Allele origin: germline.
Comment: Variant summary: DPYD c.601A>C (p.Ser201Arg) results in a non-conservative amino acid change in the encoded protein sequence. Algorithms developed to predict the effect of missense changes on protein structure and function all suggest that this variant is likely to be disruptive. The variant allele was found at a frequency of 2.8e-05 in 251160 control chromosomes. c.601A>C has been observed in individuals affected with Dihydropyrimidine Dehydrogenase Deficiency (e.g. van Kuilenburg_2000, Coenen_2019, Larrue_2024). These data indicate that the variant may be associated with disease. At least one publication reports experimental evidence evaluating an impact on protein function. The most pronounced variant effect resulted in little to no enzyme activity in comparison to the wildtype protein (Offer_2014). The following publications have been ascertained in the context of this evaluation (PMID: 30510603, 38216550, 24648345, 11783493). ClinVar contains an entry for this variant (Variation ID: 2674903). Based on the evidence outlined above, the variant was classified as likely pathogenic.

Myriad Genetics, Inc.
Classification: Likely pathogenic for Dihydropyrimidine dehydrogenase deficiency. Last evaluated: 2025-03-20. Review status: criteria provided, single submitter. Criteria: Myriad Autosomal Dominant, Autosomal Recessive and X-Linked Classification Criteria (2023). Collection method: clinical testing. Allele origin: unknown.
Comment: NM_000110.3(DPYD):c.601A>C(S201R) is a missense variant classified as likely pathogenic in the context of dihydropyrimidine dehydrogenase deficiency. S201R has been observed in cases with relevant disease (PMID: 11783493, 30510603, 38216550). Relevant functional assessments of this variant are available in the literature (PMID: 24648345). S201R has been observed in referenced population frequency databases. In summary, NM_000110.3(DPYD):c.601A>C(S201R) is a missense variant that has both functional and internal structural support for pathogenicity and has been observed more frequently in cases with the relevant disease than in healthy populations. Please note: this variant was assessed in the context of healthy population screening.

Baylor Genetics
Classification: Likely pathogenic for Dihydropyrimidine dehydrogenase deficiency. Last evaluated: 2024-02-29. Review status: criteria provided, single submitter. Criteria: ACMG Guidelines, 2015. Collection method: clinical testing. Allele origin: unknown.

Literature cited by the submitters: PubMed 24648345 (cited by Women's Health and Genetics/Laboratory Corporation of America, LabCorp and Myriad Genetics, Inc.); PubMed 30510603 (cited by Women's Health and Genetics/Laboratory Corporation of America, LabCorp and Myriad Genetics, Inc.); PubMed 11783493 (cited by Women's Health and Genetics/Laboratory Corporation of America, LabCorp and Myriad Genetics, Inc.); PubMed 38216550 (cited by Women's Health and Genetics/Laboratory Corporation of America, LabCorp and Myriad Genetics, Inc.).